The following is an entry in ClinVar:

NM_007294.4(BRCA1):c.2179C>T (p.Pro727Ser)

Gene: BRCA1 (BRCA1 DNA repair associated; minus strand). Cytogenetic location: 17q21.31.
Variant type: single nucleotide variant.
Coding change: c.2179C>T on transcript NM_007294.4 (MANE Select); coding-DNA position 2179, C replaced by T.
Protein change: p.Pro727Ser; replaces proline 727 with serine.
Molecular consequence: missense variant. On other transcripts: intron variant (137).
Genome position (GRCh38, 1-based): chr17:43,093,352, G>A on the plus strand (C>T on the coding strand, the complement: BRCA1 is on the minus strand). VCF-style: chr17-43093352-G-A. GRCh37 (hg19) VCF-style: chr17-41245369-G-A.
Other names: c.2056C>T, p.Pro686Ser (NM_001407938.1, NM_001407939.1, NM_001407648.1 and 19 more transcripts); c.2053C>T, p.Pro685Ser (NM_001407940.1, NM_001407941.1, NM_001407649.1 and 11 more transcripts); c.2038C>T, p.Pro680Ser (NM_001407942.1, NM_001407944.1, NM_001407945.1 and 29 more transcripts); c.2035C>T, p.Pro679Ser (NM_001407943.1, NM_001407964.1, NM_001407740.1 and 20 more transcripts); c.1846C>T, p.Pro616Ser (NM_001407946.1, NM_001407947.1, NM_001407948.1 and 6 more transcripts); c.1843C>T, p.Pro615Ser (NM_001407954.1, NM_001407955.1, NM_001407956.1 and 1 more transcripts); c.1798C>T, p.Pro600Ser (NM_001407959.1, NM_001407960.1, NM_001407963.1); c.1795C>T, p.Pro599Ser (NM_001407962.1); and 41 more; short protein forms P431S, P615S, P656S, P727S, P660S, P724S, P559S, P599S.
Identifiers: ClinVar variation 3684498 (VCV003684498.2).
Genomic context (GRCh38, chr17:43,093,352, plus strand): 5'-GGTCTTCAGCATTATTAGACACTTTAACTGTTTCTAGTTTCTCTTCTTTTTCTTCTCTTG[G>A]AAGGCTAGGATTGACAAATTCTTTAAGTTCACTGGTATTTGAACACTTAGTAAAAGAACC-3'
Protein context (NP_009225.1, residues 717-737): ELKEFVNPSL[Pro727Ser]REEKEEKLET

ClinVar aggregate classification (germline): Uncertain significance (1 of 4 stars; one submission).

Conditions:
Hereditary breast ovarian cancer syndrome. Also called: Hereditary breast and ovarian cancer syndrome (HBOC); BRCA1- and BRCA2-Associated Hereditary Breast and Ovarian Cancer; Breast and ovarian cancer; Hereditary breast and ovarian cancer; Hereditary breast and ovarian cancer syndrome; Hereditary breast and/or ovarian cancer syndrome. Identifiers: Orphanet 145, MedGen C0677776, MeSH D061325, MONDO:0003582. Disease mechanism: loss of function.

Submission:

Labcorp Genetics (formerly Invitae), Labcorp
Classification: Uncertain significance for Hereditary breast ovarian cancer syndrome. Last evaluated: 2024-02-22. Review status: criteria provided, single submitter. Criteria: Invitae Variant Classification Sherloc (09022015). Collection method: clinical testing. Allele origin: germline.
Comment: This sequence change replaces proline, which is neutral and non-polar, with serine, which is neutral and polar, at codon 727 of the BRCA1 protein (p.Pro727Ser). This variant is not present in population databases (gnomAD no frequency). This variant has not been reported in the literature in individuals affected with BRCA1-related conditions. Advanced modeling of protein sequence and biophysical properties (such as structural, functional, and spatial information, amino acid conservation, physicochemical variation, residue mobility, and thermodynamic stability) performed at Invitae indicates that this missense variant is not expected to disrupt BRCA1 protein function with a negative predictive value of 95%. In summary, the available evidence is currently insufficient to determine the role of this variant in disease. Therefore, it has been classified as a Variant of Uncertain Significance.